The following is an entry in ClinVar:

NM_000443.4(ABCB4):c.3262C>T (p.Pro1088Ser)

Gene: ABCB4 (ATP binding cassette subfamily B member 4; minus strand). Cytogenetic location: 7q21.12.
Variant type: single nucleotide variant.
Coding change: c.3262C>T on transcript NM_000443.4 (MANE Select); coding-DNA position 3262, C replaced by T.
Protein change: p.Pro1088Ser; replaces proline 1088 with serine.
Molecular consequence: missense variant.
Genome position (GRCh38, 1-based): chr7:87,408,054, G>A on the plus strand (C>T on the coding strand, the complement: ABCB4 is on the minus strand). VCF-style: chr7-87408054-G-A. GRCh37 (hg19) VCF-style: chr7-87037370-G-A.
Other names: c.3262C>T, p.Pro1088Ser (NM_018849.3); c.3121C>T, p.Pro1041Ser (NM_018850.3); short protein forms P1041S, P1088S.
Identifiers: ClinVar variation 3121320 (VCV003121320.3), dbSNP rs774536983, ClinGen allele CA4326820.

ClinVar aggregate classification (germline): Uncertain significance. Review status: criteria provided, multiple submitters, no conflicts (2 of 4 stars). 2 submissions from 2 submitters: Uncertain significance (2). Last evaluated 2024-03-07.

Conditions:
Inborn genetic diseases. Identifiers: MedGen C0950123, MeSH D030342.
Cholestasis, intrahepatic, of pregnancy, 3. Identifiers: Orphanet 69665, MedGen C3554241, MONDO:0013995, OMIM 614972.
Low phospholipid associated cholelithiasis (GBD1). Also called: Gallstone cholecystitis; Gallbladder disease 1. Identifiers: Orphanet 69663, MedGen C2609268, MONDO:0010939, OMIM 600803.
Progressive familial intrahepatic cholestasis type 3. Also called: MDR3 DEFICIENCY; Low Gamma-GT Familial Intrahepatic Cholestasis. Identifiers: Orphanet 79305, MedGen C1865643, MONDO:0011214, OMIM 602347.

Allele frequency attached by ClinVar (database versions not stated): TOPMed below 0.00001; ExAC 0.00001; gnomAD 0.00001.
gnomAD v4.1: 7 of 1,613,814 alleles (0.00043%); highest among the groups gnomAD compares: South Asian, 0.0066%; no homozygotes.

Submissions (2):

Ambry Genetics
Classification: Uncertain significance for Inborn genetic diseases. Last evaluated: 2024-03-07. Review status: criteria provided, single submitter. Criteria: Ambry Variant Classification Scheme 2023. Collection method: clinical testing. Allele origin: germline.

Juno Genomics, Hangzhou Juno Genomics, Inc
Classification: Uncertain significance for Cholestasis, intrahepatic, of pregnancy, 3; Progressive familial intrahepatic cholestasis type 3; Low phospholipid associated cholelithiasis. Review status: criteria provided, single submitter. Criteria: ACMG Guidelines, 2015. Collection method: clinical testing. Allele origin: germline.
Comment: Absent from controls (or at extremely low frequency if recessive) in Genome Aggregation Database.;Missense variant in a gene that has a low rate of benign missense variation.;Multiple lines of computational evidence support a deleterious effect on the gene or gene product.